The following is an entry in ClinVar:

ClinVar aggregate classification (germline): Uncertain significance (1 of 4 stars; one submission).

Submission:

CeGaT Center for Human Genetics Tuebingen
Classification: Uncertain significance. Last evaluated: 2022-10-01. Review status: criteria provided, single submitter. Criteria: CeGaT Center For Human Genetics Tuebingen Variant Classification Criteria Version 2. Collection method: clinical testing. Allele origin: germline. Affected: yes. Observed: 1 variant allele.
Comment: COL6A3: PM2

NM_004369.4(COL6A3):c.7609G>C (p.Gly2537Arg)

Gene: COL6A3 (collagen type VI alpha 3 chain; minus strand). Cytogenetic location: 2q37.3.
Variant type: single nucleotide variant.
Coding change: c.7609G>C on transcript NM_004369.4 (MANE Select); coding-DNA position 7609, G replaced by C.
Protein change: p.Gly2537Arg; replaces glycine 2537 with arginine.
Molecular consequence: missense variant.
Genome position (GRCh38, 1-based): chr2:237,344,409, C>G on the plus strand (G>C on the coding strand, the complement: COL6A3 is on the minus strand). VCF-style: chr2-237344409-C-G. GRCh37 (hg19) VCF-style: chr2-238253052-C-G.
Other names: c.5788G>C, p.Gly1930Arg (NM_057166.5); c.6991G>C, p.Gly2331Arg (NM_057167.4); short protein forms G1930R, G2331R, G2537R.
Identifiers: ClinVar variation 1879526 (VCV001879526.26), dbSNP rs1309784246, ClinGen allele CA351201804.